The following is an entry in ClinVar:

ClinVar aggregate classification (germline): Uncertain significance (1 of 4 stars; one submission).

gnomAD v4.1: 1 of 1,612,464 alleles (0.000062%); highest among the groups gnomAD compares: Non-Finnish European, 0.000085%; no homozygotes.

Submission:

Labcorp Genetics (formerly Invitae), Labcorp
Classification: Uncertain significance. Last evaluated: 2025-02-03. Review status: criteria provided, single submitter. Criteria: Invitae Variant Classification Sherloc (09022015). Collection method: clinical testing. Allele origin: germline.
Comment: This sequence change replaces tyrosine, which is neutral and polar, with cysteine, which is neutral and slightly polar, at codon 281 of the PPM1D protein (p.Tyr281Cys). This variant is present in population databases (no rsID available, gnomAD 0.0009%). This variant has not been reported in the literature in individuals affected with PPM1D-related conditions. An algorithm developed to predict the effect of missense changes on protein structure and function (PolyPhen-2) suggests that this variant is likely to be disruptive. In summary, the available evidence is currently insufficient to determine the role of this variant in disease. Therefore, it has been classified as a Variant of Uncertain Significance.

NM_003620.4(PPM1D):c.842A>G (p.Tyr281Cys)

Gene: PPM1D (protein phosphatase, Mg2+/Mn2+ dependent 1D; plus strand). Cytogenetic location: 17q23.2.
Variant type: single nucleotide variant.
Coding change: c.842A>G on transcript NM_003620.4 (MANE Select); coding-DNA position 842, A replaced by G.
Protein change: p.Tyr281Cys; replaces tyrosine 281 with cysteine.
Molecular consequence: missense variant.
Genome position (GRCh38, 1-based): chr17:60,647,907, A>G. VCF-style: chr17-60647907-A-G. GRCh37 (hg19) VCF-style: chr17-58725268-A-G.
Other names: short protein forms Y281C.
Identifiers: ClinVar variation 3667002 (VCV003667002.2).